The following is an entry in ClinVar:

NM_138425.4(C12orf57):c.193G>C (p.Val65Leu)

Gene: C12orf57 (chromosome 12 open reading frame 57; plus strand). Cytogenetic location: 12p13.31.
Variant type: single nucleotide variant.
Coding change: c.193G>C on transcript NM_138425.4 (MANE Select); coding-DNA position 193, G replaced by C.
Protein change: p.Val65Leu; replaces valine 65 with leucine.
Molecular consequence: missense variant. On other transcripts: intron variant (1).
Genome position (GRCh38, 1-based): chr12:6,944,616, G>C. VCF-style: chr12-6944616-G-C. GRCh37 (hg19) VCF-style: chr12-7053779-G-C.
Other names: c.193G>C, p.Val65Leu (NM_001301834.1); c.154G>C, p.Val52Leu (NM_001301836.2); c.88G>C, p.Val30Leu (NM_001301838.2); c.142+51G>C (NM_001301837.2); short protein forms V52L, V65L, V30L.
Identifiers: ClinVar variation 856317 (VCV000856317.7), dbSNP rs782660850, ClinGen allele CA6421284.

ClinVar aggregate classification (germline): Uncertain significance (1 of 4 stars; one submission).

Conditions:
Temtamy syndrome (TEMTYS). Also called: MENTAL RETARDATION WITH OR WITHOUT CRANIOFACIAL DYSMORPHISM, OCULAR COLOBOMA, OR ABNORMAL CORPUS CALLOSUM. Identifiers: Orphanet 1777, MedGen C1857512, MONDO:0009033, OMIM 218340.

Allele frequency attached by ClinVar (database versions not stated): ExAC 0.00001; gnomAD exomes 0.00001; TOPMed 0.00001; gnomAD 0.00002.

Submission:

Labcorp Genetics (formerly Invitae), Labcorp
Classification: Uncertain significance for Temtamy syndrome. Last evaluated: 2022-02-10. Review status: criteria provided, single submitter. Criteria: Invitae Variant Classification Sherloc (09022015). Collection method: clinical testing. Allele origin: germline.
Comment: This sequence change replaces valine, which is neutral and non-polar, with leucine, which is neutral and non-polar, at codon 65 of the C12orf57 protein (p.Val65Leu). This variant is present in population databases (rs782660850, gnomAD 0.02%). This variant has not been reported in the literature in individuals affected with C12orf57-related conditions. ClinVar contains an entry for this variant (Variation ID: 856317). Algorithms developed to predict the effect of missense changes on protein structure and function are either unavailable or do not agree on the potential impact of this missense change (SIFT: "Deleterious"; PolyPhen-2: "Benign"; Align-GVGD: "Class C25"). In summary, the available evidence is currently insufficient to determine the role of this variant in disease. Therefore, it has been classified as a Variant of Uncertain Significance.